The following is an entry in ClinVar:

ClinVar aggregate classification (germline): Pathogenic (1 of 4 stars; one submission).

Conditions:
Neurofibromatosis, type 1 (NF1). Also called: VON RECKLINGHAUSEN DISEASE; NEUROFIBROMATOSIS, TYPE I, SOMATIC; Neurofibromatosis, type I; Peripheral type neurofibromatosis. Identifiers: Orphanet 636, MedGen C0027831, MONDO:0018975, OMIM 162200. Disease mechanism: loss of function.

Submission:

Labcorp Genetics (formerly Invitae), Labcorp
Classification: Pathogenic for Neurofibromatosis, type 1. Last evaluated: 2019-07-15. Review status: criteria provided, single submitter. Criteria: Invitae Variant Classification Sherloc (09022015). Collection method: clinical testing. Allele origin: germline.
Comment: This sequence change inserts a large fragment of DNA, likely a transposable element, in exon 16 of the NF1 gene (c.1836_1837insSVA), causing a frameshift at codon 613 (p.Lys613fs). The exact size and sequence of the insertion cannot be determined by the current assay. However, the insertion is expected to result in an absent or disrupted protein product. This variant is not present in population databases (ExAC no frequency). This variant has not been reported in the literature in individuals with NF1-related conditions. Retrotransposon insertions including LINE1 (L1), Alu, and SVA (SINE-VNTR-Alu) have been reported to be disease-causing through disruption of either a coding region or splice site (PMID: 19763152, 20307669, 22406018), and loss-of-function variants in NF1 are known to be pathogenic (PMID: 10712197, 23913538). For these reasons, this variant has been classified as Pathogenic.

Literature cited by the submitters: PubMed 20307669; PubMed 23913538; PubMed 22406018; PubMed 19763152; PubMed 10712197.

NM_001042492.3(NF1):c.1836_1837insSVAelement

Gene: NF1 (neurofibromin 1; plus strand). Cytogenetic location: 17q11.2.
Variant type: Insertion.
Coding change: c.1836_1837insSVAelement on transcript NM_001042492.3; coding-DNA positions 1836 to 1837, an insertion.
Other names: NM_000267.3:c.1836_1837insSVA.
Identifiers: ClinVar variation 870246 (VCV000870246.1), dbSNP rs2066964219.